The following is an entry in ClinVar:

ClinVar aggregate classification (germline): Uncertain significance (1 of 4 stars; one submission).

Conditions:
Inborn genetic diseases. Identifiers: MedGen C0950123, MeSH D030342.

Submission:

Ambry Genetics
Classification: Uncertain significance for Inborn genetic diseases. Last evaluated: 2025-01-10. Review status: criteria provided, single submitter. Criteria: Ambry Variant Classification Scheme 2023. Collection method: clinical testing. Allele origin: germline.
Comment: The p.A333S variant (also known as c.997G>T), located in coding exon 5 of the RECQL4 gene, results from a G to T substitution at nucleotide position 997. The alanine at codon 333 is replaced by serine, an amino acid with similar properties. This amino acid position is conserved. In addition, this alteration is predicted to be tolerated by in silico analysis. Based on the available evidence, the clinical significance of this variant remains unclear.

NM_004260.4(RECQL4):c.997G>T (p.Ala333Ser)

Gene: RECQL4 (RecQ like helicase 4; minus strand). Cytogenetic location: 8q24.3.
Variant type: single nucleotide variant.
Coding change: c.997G>T on transcript NM_004260.4 (MANE Select); coding-DNA position 997, G replaced by T.
Protein change: p.Ala333Ser; replaces alanine 333 with serine.
Molecular consequence: missense variant. On other transcripts: 5 prime UTR variant (16), non-coding transcript variant (3), intron variant (3).
Genome position (GRCh38, 1-based): chr8:144,516,122, C>A on the plus strand (G>T on the coding strand, the complement: RECQL4 is on the minus strand). VCF-style: chr8-144516122-C-A. GRCh37 (hg19) VCF-style: chr8-145741506-C-A.
Other names: c.997G>T, p.Ala333Ser (NM_001413018.1, NM_001413019.1, NM_001413033.1 and 2 more transcripts); c.-75G>T (NM_001413021.1, NM_001413022.1, NM_001413023.1 and 7 more transcripts); c.868G>T, p.Ala290Ser (NM_001413025.1); c.-137G>T (NM_001413027.1, NM_001413030.1, NM_001413031.1 and 2 more transcripts); c.646G>T, p.Ala216Ser (NM_001413029.1); c.-344G>T (NM_001413043.1); c.953+44G>T (NM_001413017.1, NM_001413020.1); c.-23+44G>T (NM_001413034.1); short protein forms A216S, A333S, A290S.
Identifiers: ClinVar variation 3787992 (VCV003787992.1).